The following is an entry in ClinVar:

NM_000069.3(CACNA1S):c.1101G>A (p.Met367Ile)

Gene: CACNA1S (calcium voltage-gated channel subunit alpha1 S; minus strand). Cytogenetic location: 1q32.1.
Variant type: single nucleotide variant.
Coding change: c.1101G>A on transcript NM_000069.3 (MANE Select); coding-DNA position 1101, G replaced by A.
Protein change: p.Met367Ile; replaces methionine 367 with isoleucine.
Molecular consequence: missense variant.
Genome position (GRCh38, 1-based): chr1:201,085,485, C>T on the plus strand (G>A on the coding strand, the complement: CACNA1S is on the minus strand). VCF-style: chr1-201085485-C-T. GRCh37 (hg19) VCF-style: chr1-201054613-C-T.
Other names: short protein forms M367I.
Identifiers: ClinVar variation 966087 (VCV000966087.4), dbSNP rs1438961156, ClinGen allele CA344129215.

ClinVar aggregate classification (germline): Uncertain significance. Review status: criteria provided, multiple submitters, no conflicts (2 of 4 stars). 2 submissions from 2 submitters: Uncertain significance (2). Last evaluated 2023-12-01.

Conditions:
Malignant hyperthermia, susceptibility to, 5 (MHS5). Also called: CACNA1S-Related Malignant Hyperthermia Susceptibility. Identifiers: Orphanet 423, MedGen C1866077, MONDO:0011163, OMIM 601887.
Hypokalemic periodic paralysis, type 1. Also called: Hypokalemic Periodic Paralysis Type 1 (AD); HypoPP. Identifiers: Orphanet 681, MedGen C3714580, MONDO:0042979, OMIM 170400.

Allele frequency attached by ClinVar (database versions not stated): gnomAD exomes below 0.00001.
gnomAD v4.1: 2 of 1,613,176 alleles (0.00012%); highest among the groups gnomAD compares: South Asian, 0.0022%; no homozygotes.

Submissions (2):

All of Us Research Program, National Institutes of Health
Classification: Uncertain significance for Malignant hyperthermia, susceptibility to, 5. Last evaluated: 2023-12-01. Review status: criteria provided, single submitter. Criteria: ACMG Guidelines, 2015. Collection method: clinical testing. Allele origin: germline. Inheritance: Autosomal dominant inheritance. Observed: 3 variant alleles, 3 heterozygotes.
Comment: This missense variant replaces methionine with isoleucine at codon 367 of the CACNA1S protein. Computational prediction is inconclusive regarding the impact of this variant on protein structure and function (internally defined REVEL score threshold 0.5 < inconclusive < 0.7, PMID: 27666373). To our knowledge, functional studies have not been reported for this variant. This variant has not been reported in individuals affected with CACNA1S-related disorders in the literature. This variant has been identified in 1/251496 chromosomes in the general population by the Genome Aggregation Database (gnomAD). The available evidence is insufficient to determine the role of this variant in disease conclusively. Therefore, this variant is classified as a Variant of Uncertain Significance.

This study involves interpretation of variants in research participants for the purpose of population health screening. Participant phenotype was not available at the time of variant classification. Additional details can be found in publication PMID: 35346344, PMCID: PMC8962531

Labcorp Genetics (formerly Invitae), Labcorp
Classification: Uncertain significance for Hypokalemic periodic paralysis, type 1; Malignant hyperthermia, susceptibility to, 5. Last evaluated: 2021-08-31. Review status: criteria provided, single submitter. Criteria: Invitae Variant Classification Sherloc (09022015). Collection method: clinical testing. Allele origin: germline.
Comment: This sequence change replaces methionine with isoleucine at codon 367 of the CACNA1S protein (p.Met367Ile). The methionine residue is highly conserved and there is a small physicochemical difference between methionine and isoleucine. This variant is not present in population databases (ExAC no frequency). This variant has not been reported in the literature in individuals affected with CACNA1S-related conditions. Algorithms developed to predict the effect of missense changes on protein structure and function are either unavailable or do not agree on the potential impact of this missense change (SIFT: "Deleterious"; PolyPhen-2: "Benign"; Align-GVGD: "Class C0"). In summary, the available evidence is currently insufficient to determine the role of this variant in disease. Therefore, it has been classified as a Variant of Uncertain Significance.